The following is an entry in ClinVar:

NM_005045.4(RELN):c.2086dup (p.Ser696fs)

Gene: RELN (reelin; minus strand). Cytogenetic location: 7q22.1.
Variant type: Duplication.
Coding change: c.2086dup on transcript NM_005045.4 (MANE Select); coding-DNA position 2086, one base duplicated (T; older notation c.2086dupT).
Protein change: p.Ser696fs; shifts the reading frame from serine 696.
Molecular consequence: frameshift variant.
Genome position (GRCh38, 1-based): chr7:103,636,452, A duplicated on the plus strand (T on the coding strand, the reverse complement: RELN is on the minus strand); the first of 4 consecutive A bases (chr7:103,636,452-103,636,455); duplicating any one gives the same sequence. VCF-style (leftmost placement, unchanged base first): chr7-103636451-G-GA. GRCh37 (hg19) VCF-style: chr7-103276898-G-GA.
Other names: c.2086dup, p.Ser696fs (NM_173054.3); short protein forms S696fs.
Identifiers: ClinVar variation 859187 (VCV000859187.8), dbSNP rs1832583187, ClinGen allele CA916082946.

ClinVar aggregate classification (germline): Pathogenic/Likely pathogenic. Review status: criteria provided, multiple submitters, no conflicts (2 of 4 stars). 2 submissions from 2 submitters: Pathogenic (1); Likely pathogenic (1). Last evaluated 2023-08-17.

Conditions:
Familial temporal lobe epilepsy 7. Identifiers: Orphanet 101046, MedGen C4225327, MONDO:0014639, OMIM 616436.
Norman-Roberts syndrome (LIS2). Also called: Lissencephaly 2 (Norman-Roberts type). Identifiers: Orphanet 89844, MedGen C0796089, MONDO:0009760, OMIM 257320.

Submissions (2):

MVZ Medizinische Genetik Mainz
Classification: Likely pathogenic for Norman-Roberts syndrome. Last evaluated: 2023-08-17. Review status: criteria provided, single submitter. Criteria: UK Practice Guidelines For Variant Classification V4 01 2020. Collection method: clinical testing. Allele origin: germline. Inheritance: Autosomal dominant inheritance. Affected: yes. Observed: 1 variant allele.
Comment: ACMG Criteria: PVS1,PM2_SUP

Labcorp Genetics (formerly Invitae), Labcorp
Classification: Pathogenic for Familial temporal lobe epilepsy 7; Norman-Roberts syndrome. Last evaluated: 2020-03-04. Review status: criteria provided, single submitter. Criteria: Invitae Variant Classification Sherloc (09022015). Collection method: clinical testing. Allele origin: germline.
Comment: For these reasons, this variant has been classified as Pathogenic. Loss-of-function variants in RELN are known to be pathogenic (PMID: 10973257, 26046367, 28454995). This variant has not been reported in the literature in individuals with RELN-related conditions. This variant is not present in population databases (ExAC no frequency). This sequence change creates a premature translational stop signal (p.Ser696Phefs*6) in the RELN gene. It is expected to result in an absent or disrupted protein product.

Literature cited by the submitters: PubMed 10973257 (cited by Labcorp Genetics (formerly Invitae), Labcorp); PubMed 26046367 (cited by Labcorp Genetics (formerly Invitae), Labcorp); PubMed 28454995 (cited by Labcorp Genetics (formerly Invitae), Labcorp).